The following is an entry in ClinVar:

NM_005228.5(EGFR):c.2810C>T (p.Pro937Leu)

Gene: EGFR (epidermal growth factor receptor; plus strand). Cytogenetic location: 7p11.2.
Variant type: single nucleotide variant.
Coding change: c.2810C>T on transcript NM_005228.5 (MANE Select); coding-DNA position 2810, C replaced by T.
Protein change: p.Pro937Leu; replaces proline 937 with leucine.
Molecular consequence: missense variant.
Genome position (GRCh38, 1-based): chr7:55,198,825, C>T. VCF-style: chr7-55198825-C-T. GRCh37 (hg19) VCF-style: chr7-55266518-C-T.
Other names: c.2675C>T, p.Pro892Leu (NM_001346897.2, NM_001346899.2); c.2810C>T, p.Pro937Leu (NM_001346898.2); c.2651C>T, p.Pro884Leu (NM_001346900.2); c.2009C>T, p.Pro670Leu (NM_001346941.2); short protein forms P670L, P937L, P892L, P884L.
Identifiers: ClinVar variation 3843792 (VCV003843792.1).

ClinVar aggregate classification (germline): Uncertain significance (1 of 4 stars; one submission).

Conditions:
Hereditary cancer-predisposing syndrome. Also called: Hereditary neoplastic syndrome; Neoplastic Syndromes, Hereditary; Tumor predisposition; Hereditary Cancer Syndrome. Identifiers: Orphanet 140162, MedGen C0027672, MeSH D009386, MONDO:0015356.

Submission:

Ambry Genetics
Classification: Uncertain significance for Hereditary cancer-predisposing syndrome. Last evaluated: 2025-01-03. Review status: criteria provided, single submitter. Criteria: Ambry Variant Classification Scheme 2023. Collection method: clinical testing. Allele origin: germline.
Comment: The p.P937L variant (also known as c.2810C>T), located in coding exon 23 of the EGFR gene, results from a C to T substitution at nucleotide position 2810. The proline at codon 937 is replaced by leucine, an amino acid with similar properties. This amino acid position is highly conserved in available vertebrate species. In addition, the in silico prediction for this alteration is inconclusive. Based on the available evidence, the clinical significance of this variant remains unclear.